The following is an entry in ClinVar:

NM_001127208.3(TET2):c.3728A>G (p.Lys1243Arg)

Genes: TET2 (tet methylcytosine dioxygenase 2; plus strand), TET2-AS1 (TET2 antisense RNA 1; minus strand). Cytogenetic location: 4q24.
Variant type: single nucleotide variant.
Coding change: c.3728A>G on transcript NM_001127208.3 (MANE Select); coding-DNA position 3728, A replaced by G.
Protein change: p.Lys1243Arg; replaces lysine 1243 with arginine.
Molecular consequence: missense variant.
Genome position (GRCh38, 1-based): chr4:105,243,703, A>G. VCF-style: chr4-105243703-A-G. GRCh37 (hg19) VCF-style: chr4-106164860-A-G.
Other names: short protein forms K1243R.
Identifiers: ClinVar variation 3016179 (VCV003016179.3), dbSNP rs374816785, ClinGen allele CA15322931.

ClinVar aggregate classification (germline): Uncertain significance (1 of 4 stars; one submission).

Allele frequency attached by ClinVar (database versions not stated): gnomAD 0.00001; TOPMed 0.00001; gnomAD exomes below 0.00001.
gnomAD v4.1: 7 of 1,551,380 alleles (0.00045%); highest among the groups gnomAD compares: African/African-American, 0.0027%; no homozygotes.

Submission:

Labcorp Genetics (formerly Invitae), Labcorp
Classification: Uncertain significance. Last evaluated: 2025-07-13. Review status: criteria provided, single submitter. Criteria: Invitae Variant Classification Sherloc (09022015). Collection method: clinical testing. Allele origin: germline.
Comment: This sequence change replaces lysine, which is basic and polar, with arginine, which is basic and polar, at codon 1243 of the TET2 protein (p.Lys1243Arg). This variant is present in population databases (rs374816785, gnomAD 0.02%). This missense change has been observed in individual(s) with acute myeloid leukemia (PMID: 35279121). ClinVar contains an entry for this variant (Variation ID: 3016179). An algorithm developed to predict the effect of missense changes on protein structure and function outputs the following: PolyPhen-2: "Benign". The arginine amino acid residue is found in multiple mammalian species, which suggests that this missense change does not adversely affect protein function. In summary, the available evidence is currently insufficient to determine the role of this variant in disease. Therefore, it has been classified as a Variant of Uncertain Significance.

Literature cited by the submitters: PubMed 35279121.